The following is an entry in ClinVar:

ClinVar aggregate classification (germline): Uncertain significance (1 of 4 stars; one submission).

gnomAD v4.1: 2 of 1,613,486 alleles (0.00012%); highest among the groups gnomAD compares: African/African-American, 0.0027%; no homozygotes.

Submission:

Labcorp Genetics (formerly Invitae), Labcorp
Classification: Uncertain significance. Last evaluated: 2024-12-15. Review status: criteria provided, single submitter. Criteria: Invitae Variant Classification Sherloc (09022015). Collection method: clinical testing. Allele origin: germline.
Comment: This sequence change replaces leucine, which is neutral and non-polar, with phenylalanine, which is neutral and non-polar, at codon 5 of the EFTUD2 protein (p.Leu5Phe). This variant is not present in population databases (gnomAD no frequency). This variant has not been reported in the literature in individuals affected with EFTUD2-related conditions. An algorithm developed to predict the effect of missense changes on protein structure and function (PolyPhen-2) suggests that this variant is likely to be disruptive. In summary, the available evidence is currently insufficient to determine the role of this variant in disease. Therefore, it has been classified as a Variant of Uncertain Significance.

NM_004247.4(EFTUD2):c.15A>T (p.Leu5Phe)

Gene: EFTUD2 (elongation factor Tu GTP binding domain containing 2; minus strand). Cytogenetic location: 17q21.31.
Variant type: single nucleotide variant.
Coding change: c.15A>T on transcript NM_004247.4 (MANE Select); coding-DNA position 15, A replaced by T.
Protein change: p.Leu5Phe; replaces leucine 5 with phenylalanine.
Molecular consequence: missense variant. On other transcripts: intron variant (1).
Genome position (GRCh38, 1-based): chr17:44,894,507, T>A on the plus strand (A>T on the coding strand, the complement: EFTUD2 is on the minus strand). VCF-style: chr17-44894507-T-A. GRCh37 (hg19) VCF-style: chr17-42971875-T-A.
Other names: c.15A>T, p.Leu5Phe (NM_001258353.2, NM_001258354.2); c.-1+4862A>T (NM_001142605.2); short protein forms L5F.
Identifiers: ClinVar variation 3613699 (VCV003613699.2).